The following is an entry in ClinVar:

ClinVar aggregate classification (germline): Likely benign (1 of 4 stars; one submission).

Allele frequency attached by ClinVar (database versions not stated): gnomAD 0.01113 and 0.01159; 1000 Genomes Project 30x 0.01390.

Submission:

GeneDx
Classification: Likely benign. Last evaluated: 2020-09-10. Review status: criteria provided, single submitter. Criteria: GeneDx Variant Classification Process June 2021. Collection method: clinical testing. Allele origin: germline. Affected: yes.
Comment: See Variant Classification Assertion Criteria.

NM_001039.4(SCNN1G):c.-44-233_-44-231del

Gene: SCNN1G (sodium channel epithelial 1 subunit gamma; plus strand). Cytogenetic location: 16p12.2.
Variant type: Deletion.
Coding change: c.-44-233_-44-231del on transcript NM_001039.4 (MANE Select); 233 bases into the intron before 44 bases upstream of the start codon through 231 bases into the intron before 44 bases upstream of the start codon, 3 bases deleted (TGG; older notation c.-44-233_-44-231delTGG).
Molecular consequence: intron variant.
Genome position (GRCh38, 1-based): chr16:23,185,995-23,185,997, TGG deleted. VCF-style (leftmost placement, unchanged base first): chr16-23185994-CTGG-C. GRCh37 (hg19) VCF-style: chr16-23197315-CTGG-C.
Identifiers: ClinVar variation 1699901 (VCV001699901.2), dbSNP rs1395489330, ClinGen allele CA621319031.